The following is an entry in ClinVar:

ClinVar aggregate classification (germline): Uncertain significance. Review status: criteria provided, multiple submitters, no conflicts (2 of 4 stars). 3 submissions from 3 submitters: Uncertain significance (3). Last evaluated 2023-03-06.

Conditions:
Autosomal recessive limb-girdle muscular dystrophy type 2J (LGMDR10). Also called: MUSCULAR DYSTROPHY, LIMB-GIRDLE, AUTOSOMAL RECESSIVE 10; Limb-girdle muscular dystrophy, type 2J. Identifiers: Orphanet 140922, MedGen C1837342, MONDO:0012127, OMIM 608807.
Tibial muscular dystrophy (TMD). Also called: Udd Distal Myopathy – Tibial Muscular Dystrophy; UDD MYOPATHY; Tibial muscular dystrophy, tardive. Identifiers: Orphanet 609, MedGen C1838244, MONDO:0010870, OMIM 600334.
Dilated cardiomyopathy 1G (CMD1G). Identifiers: Orphanet 154, MedGen C1858763, MONDO:0011400, OMIM 604145.
Early-onset myopathy with fatal cardiomyopathy (CMYO5). Also called: CONGENITAL MYOPATHY 5 WITH CARDIOMYOPATHY; Salih Myopathy. Identifiers: Orphanet 289377, MedGen C2673677, MONDO:0012714, OMIM 611705. Disease mechanism: loss of function.
Myopathy, myofibrillar, 9, with early respiratory failure (MFM9). Also called: EDSTROM MYOPATHY; MYOPATHY, PROXIMAL, WITH EARLY RESPIRATORY MUSCLE INVOLVEMENT; Hereditary myopathy with early respiratory failure; Myopathy, distal, with early respiratory failure, autosomal dominant. Identifiers: Orphanet 178464, Orphanet 34521, MedGen C1863599, MONDO:0011362, OMIM 603689.
Hypertrophic cardiomyopathy 9. Also called: Familial hypertrophic cardiomyopathy 9. Identifiers: MedGen C1861065, MONDO:0013412, OMIM 613765.

Allele frequency attached by ClinVar (database versions not stated): gnomAD exomes below 0.00001.
gnomAD v4.1: 6 of 1,612,262 alleles (0.00037%); highest among the groups gnomAD compares: South Asian, 0.0066%; no homozygotes.

Submissions (3):

GeneDx
Classification: Uncertain significance. Last evaluated: 2023-03-06. Review status: criteria provided, single submitter. Criteria: GeneDx Variant Classification Process June 2021. Collection method: clinical testing. Allele origin: germline. Affected: yes.
Comment: Not observed at significant frequency in large population cohorts (gnomAD); Missense variant in a gene in which most reported pathogenic variants are truncating/loss of function; Has not been previously published as pathogenic or benign to our knowledge

Fulgent Genetics
Classification: Uncertain significance for Tibial muscular dystrophy; Myopathy, myofibrillar, 9, with early respiratory failure; Dilated cardiomyopathy 1G; Autosomal recessive limb-girdle muscular dystrophy type 2J; Early-onset myopathy with fatal cardiomyopathy; Hypertrophic cardiomyopathy 9. Last evaluated: 2021-11-15. Review status: criteria provided, single submitter. Criteria: ACMG Guidelines, 2015. Collection method: clinical testing. Allele origin: unknown.

Laboratory for Molecular Medicine, Mass General Brigham Personalized Medicine
Classification: Uncertain significance. Last evaluated: 2015-05-16. Review status: criteria provided, single submitter. Criteria: LMM Criteria. Collection method: clinical testing. Allele origin: germline. Observed: 1 variant allele.
Comment: The p.Ala13585Ser variant in TTN has not been previously reported in individuals with cardiomyopathy or in large population studies. Computational prediction to ols and conservation analysis suggest that the variant may impact the protein, t hough this information is not predictive enough to determine pathogenicity. In s ummary, the clinical significance of the p.Ala13585Ser variant is uncertain.

NM_001267550.2(TTN):c.48457G>T (p.Ala16153Ser)

Genes: TTN (titin; minus strand), TTN-AS1 (TTN antisense RNA 1; plus strand). Cytogenetic location: 2q31.2.
Variant type: single nucleotide variant.
Coding change: c.48457G>T on transcript NM_001267550.2 (MANE Select); coding-DNA position 48457, G replaced by T.
Protein change: p.Ala16153Ser; replaces alanine 16153 with serine.
Molecular consequence: missense variant.
Genome position (GRCh38, 1-based): chr2:178,615,644, C>A on the plus strand (G>T on the coding strand, the complement: TTN is on the minus strand). VCF-style: chr2-178615644-C-A. GRCh37 (hg19) VCF-style: chr2-179480371-C-A.
Other names: c.48457G>T (NM_001267550.1); c.40753G>T, p.Ala13585Ser (NM_133378.4); c.43534G>T, p.Ala14512Ser (NM_001256850.1); c.21262G>T, p.Ala7088Ser (NM_003319.4); c.21637G>T, p.Ala7213Ser (NM_133432.3); c.21838G>T, p.Ala7280Ser (NM_133437.4); short protein forms A13585S, A16153S, A7280S, A14512S, A7088S, A7213S.
Identifiers: ClinVar variation 229442 (VCV000229442.7), dbSNP rs876658063, ClinGen allele CA10576523.